The following is an entry in ClinVar:

ClinVar aggregate classification (germline): Uncertain significance (1 of 4 stars; one submission).

Conditions:
Hereditary cancer-predisposing syndrome. Also called: Neoplastic Syndromes, Hereditary; Tumor predisposition; Hereditary neoplastic syndrome; Hereditary Cancer Syndrome. Identifiers: Orphanet 140162, MedGen C0027672, MeSH D009386, MONDO:0015356.

Submission:

Color Diagnostics, LLC DBA Color Health
Classification: Uncertain significance for Hereditary cancer-predisposing syndrome. Last evaluated: 2023-12-04. Review status: criteria provided, single submitter. Criteria: ACMG Guidelines, 2015. Collection method: clinical testing. Allele origin: germline.
Comment: This missense variant replaces cysteine with serine at codon 1337 of the MSH6 protein. Computational prediction suggests that this variant may not impact protein structure and function (internally defined REVEL score threshold <= 0.5, PMID: 27666373). To our knowledge, functional studies have not been reported for this variant. This variant has not been reported in individuals affected with MSH6-related disorders in the literature. This variant has not been identified in the general population by the Genome Aggregation Database (gnomAD). The available evidence is insufficient to determine the role of this variant in disease conclusively. Therefore, this variant is classified as a Variant of Uncertain Significance.

NM_000179.3(MSH6):c.4009T>A (p.Cys1337Ser)

Gene: MSH6 (mutS homolog 6; plus strand). Cytogenetic location: 2p16.3.
Variant type: single nucleotide variant.
Coding change: c.4009T>A on transcript NM_000179.3 (MANE Select); coding-DNA position 4009, T replaced by A.
Protein change: p.Cys1337Ser; replaces cysteine 1337 with serine.
Molecular consequence: missense variant.
Genome position (GRCh38, 1-based): chr2:47,806,786, T>A. VCF-style: chr2-47806786-T-A. GRCh37 (hg19) VCF-style: chr2-48033925-T-A.
Other names: c.3619T>A, p.Cys1207Ser (NM_001281492.2); c.3103T>A, p.Cys1035Ser (NM_001281493.2, NM_001281494.2); short protein forms C1337S, C1207S, C1035S.
Identifiers: ClinVar variation 628751 (VCV000628751.5), dbSNP rs1558395543, ClinGen allele CA346761632.